The following is an entry in ClinVar:

NM_177438.3(DICER1):c.3479C>T (p.Ser1160Phe)

Gene: DICER1 (dicer 1, ribonuclease III; minus strand). Cytogenetic location: 14q32.13.
Variant type: single nucleotide variant.
Coding change: c.3479C>T on transcript NM_177438.3 (MANE Select); coding-DNA position 3479, C replaced by T.
Protein change: p.Ser1160Phe; replaces serine 1160 with phenylalanine.
Molecular consequence: missense variant.
Genome position (GRCh38, 1-based): chr14:95,103,917, G>A on the plus strand (C>T on the coding strand, the complement: DICER1 is on the minus strand). VCF-style: chr14-95103917-G-A. GRCh37 (hg19) VCF-style: chr14-95570254-G-A.
Other names: c.3479C>T, p.Ser1160Phe (NM_001195573.1, NM_001271282.3, NM_001291628.2 and 1 more transcripts); short protein forms S1160F.
Identifiers: ClinVar variation 1436375 (VCV001436375.9), dbSNP rs774583162, ClinGen allele CA390875252.
Genomic context (GRCh38, chr14:95,103,917, plus strand): 5'-TAAGAAAGACCATTAATTGCTGTAAGATCTGCTGAAACTTCAACGTGGAGCTTACCAGGG[G>A]ACTCGCTGAGCAACGTTCTGCAGTTCACAGACATTTGGTCATGATTTTCTAGAGAGGAGG-3'
Protein context (NP_803187.1, residues 1150-1170): SVNCRTLLSE[Ser1160Phe]PGKLHVEVSA

ClinVar aggregate classification (germline): Uncertain significance (1 of 4 stars; one submission).

Conditions:
DICER1-related tumor predisposition. Also called: DICER1-related pleuropulmonary blastoma cancer predisposition syndrome; DICER1 syndrome. Identifiers: Orphanet 284343, MedGen C3839822, MONDO:0100216.

Submission:

Labcorp Genetics (formerly Invitae), Labcorp
Classification: Uncertain significance for DICER1-related tumor predisposition. Last evaluated: 2022-11-22. Review status: criteria provided, single submitter. Criteria: Invitae Variant Classification Sherloc (09022015). Collection method: clinical testing. Allele origin: germline.
Comment: ClinVar contains an entry for this variant (Variation ID: 1436375). In summary, the available evidence is currently insufficient to determine the role of this variant in disease. Therefore, it has been classified as a Variant of Uncertain Significance. Advanced modeling of protein sequence and biophysical properties (such as structural, functional, and spatial information, amino acid conservation, physicochemical variation, residue mobility, and thermodynamic stability) performed at Invitae indicates that this missense variant is not expected to disrupt DICER1 protein function. This variant has not been reported in the literature in individuals affected with DICER1-related conditions. This variant is not present in population databases (gnomAD no frequency). This sequence change replaces serine, which is neutral and polar, with phenylalanine, which is neutral and non-polar, at codon 1160 of the DICER1 protein (p.Ser1160Phe).